The following is an entry in ClinVar:

NM_002473.6(MYH9):c.2920A>C (p.Lys974Gln)

Genes: MYH9 (myosin heavy chain 9; minus strand), LOC126863137 (CDK7 strongly-dependent group 2 enhancer GRCh37_chr22:36696002-36697201; plus strand). Cytogenetic location: 22q12.3.
Variant type: single nucleotide variant.
Coding change: c.2920A>C on transcript NM_002473.6 (MANE Select); coding-DNA position 2920, A replaced by C.
Protein change: p.Lys974Gln; replaces lysine 974 with glutamine.
Molecular consequence: missense variant.
Genome position (GRCh38, 1-based): chr22:36,300,183, T>G on the plus strand (A>C on the coding strand, the complement: MYH9 is on the minus strand). VCF-style: chr22-36300183-T-G. GRCh37 (hg19) VCF-style: chr22-36696229-T-G.
Other names: c.2920A>C (NM_002473.4); short protein forms K974Q.
Identifiers: ClinVar variation 1804897 (VCV001804897.7), dbSNP rs770237894, ClinGen allele CA10209814.

ClinVar aggregate classification (germline): Conflicting classifications of pathogenicity. Review status: criteria provided, conflicting classifications (1 of 4 stars). 3 submissions from 3 submitters: Uncertain significance (1); Likely benign (2). Last evaluated 2024-11-11.

Conditions:
Inborn genetic diseases. Identifiers: MedGen C0950123, MeSH D030342.
Macrothrombocytopenia and granulocyte inclusions with or without nephritis or sensorineural hearing loss (MATINS). Also called: MAY-HEGGLIN ANOMALY; BLEEDING DISORDER, PLATELET-TYPE, 6; DOHLE LEUKOCYTE INCLUSIONS WITH GIANT PLATELETS; SEBASTIAN PLATELET SYNDROME; MACROTHROMBOCYTOPENIA WITH DISPERSED LEUKOCYTIC INCLUSIONS; MACROTHROMBOCYTOPENIA, NEPHRITIS, AND DEAFNESS. Identifiers: Orphanet 182050, MedGen C5200934, MONDO:0015912, OMIM 155100.

Allele frequency attached by ClinVar (database versions not stated): gnomAD 0.00001; TOPMed 0.00001; gnomAD exomes 0.00002; ExAC 0.00004.
gnomAD v4.1: 32 of 1,613,274 alleles (0.002%); highest among the groups gnomAD compares: South Asian, 0.033%; no homozygotes.

Submissions (3):

Ambry Genetics
Classification: Likely benign for Inborn genetic diseases. Last evaluated: 2024-11-11. Review status: criteria provided, single submitter. Criteria: Ambry Variant Classification Scheme 2023. Collection method: clinical testing. Allele origin: germline.

Labcorp Genetics (formerly Invitae), Labcorp
Classification: Likely benign. Last evaluated: 2022-07-25. Review status: criteria provided, single submitter. Criteria: Invitae Variant Classification Sherloc (09022015). Collection method: clinical testing. Allele origin: germline.

Victorian Clinical Genetics Services, Murdoch Childrens Research Institute
Classification: Uncertain significance for Macrothrombocytopenia and granulocyte inclusions with or without nephritis or sensorineural hearing loss. Last evaluated: 2020-05-21. Review status: criteria provided, single submitter. Criteria: ACMG Guidelines, 2015. Collection method: clinical testing. Allele origin: germline. Inheritance: Autosomal dominant inheritance. Affected: yes.
Comment: A heterozygous missense variant, NM_002473.5(MYH9):c.2920A>C, has been identified in exon 23 of 41 of the MYH9 gene. The variant is predicted to result in a minor amino acid change from lysine to glutamine at position 974 of the protein, NP_002464.1(MYH9):p.(Lys974Gln). The lysine residue at this position has very high conservation (100 vertebrates, UCSC), and is located within the myosin tail 1 domain. In silico predictions for this variant are consistently pathogenic (Polyphen, SIFT, CADD, Mutation Taster). The variant is present in the gnomAD database at a frequency of 0.0036% (9 heterozygotes, 0 homozygotes) and an alternative residue change to an asparagine has been reported in the gnomAD database at a frequency of 0.0004% (1 heterozygote). This variant has not been previously reported in clinical cases. Based on the information available at the time of curation, this variant has been classified as VARIANT of UNCERTAIN SIGNIFICANCE (VUS). Legend: (P) - Pathogenic, (N) - Neutral, (B) - Benign